The following is an entry in ClinVar:

ClinVar aggregate classification (germline): Uncertain significance (1 of 4 stars; one submission).

Conditions:
Dilated cardiomyopathy 1G (CMD1G). Identifiers: Orphanet 154, MedGen C1858763, MONDO:0011400, OMIM 604145.
Autosomal recessive limb-girdle muscular dystrophy type 2J (LGMDR10). Also called: MUSCULAR DYSTROPHY, LIMB-GIRDLE, AUTOSOMAL RECESSIVE 10; Limb-girdle muscular dystrophy, type 2J. Identifiers: Orphanet 140922, MedGen C1837342, MONDO:0012127, OMIM 608807.

Allele frequency attached by ClinVar (database versions not stated): gnomAD exomes below 0.00001; gnomAD 0.00001.
gnomAD v4.1: 5 of 1,613,798 alleles (0.00031%); highest among the groups gnomAD compares: Non-Finnish European, 0.00034%; no homozygotes.

Submission:

Labcorp Genetics (formerly Invitae), Labcorp
Classification: Uncertain significance for Dilated cardiomyopathy 1G; Autosomal recessive limb-girdle muscular dystrophy type 2J. Last evaluated: 2025-04-23. Review status: criteria provided, single submitter. Criteria: Invitae Variant Classification Sherloc (09022015). Collection method: clinical testing. Allele origin: germline.
Comment: This sequence change replaces tyrosine, which is neutral and polar, with histidine, which is basic and polar, at codon 34292 of the TTN protein (p.Tyr34292His). This variant is not present in population databases (gnomAD no frequency). This variant has not been reported in the literature in individuals affected with TTN-related conditions. ClinVar contains an entry for this variant (Variation ID: 2929249). Experimental studies and prediction algorithms are not available or were not evaluated, and the functional significance of this variant is currently unknown. This variant is located in the M band of TTN (PMID: 25589632). Non-truncating variants in this region may be relevant for neuromuscular disorders, but have not been definitively shown to cause cardiomyopathy (PMID: 23975875). In summary, the available evidence is currently insufficient to determine the role of this variant in disease. Therefore, it has been classified as a Variant of Uncertain Significance.

Literature cited by the submitters: PubMed 25589632; PubMed 23975875.

NM_001267550.2(TTN):c.102874T>C (p.Tyr34292His)

Genes: TTN-AS1 (TTN antisense RNA 1; plus strand), TTN (titin; minus strand). Cytogenetic location: 2q31.2.
Variant type: single nucleotide variant.
Coding change: c.102874T>C on transcript NM_001267550.2 (MANE Select); coding-DNA position 102874, T replaced by C.
Protein change: p.Tyr34292His; replaces tyrosine 34292 with histidine.
Molecular consequence: missense variant.
Genome position (GRCh38, 1-based): chr2:178,533,741, A>G on the plus strand (T>C on the coding strand, the complement: TTN is on the minus strand). VCF-style: chr2-178533741-A-G. GRCh37 (hg19) VCF-style: chr2-179398468-A-G.
Other names: c.97951T>C, p.Tyr32651His (NM_001256850.1); c.75679T>C, p.Tyr25227His (NM_003319.4); c.95170T>C, p.Tyr31724His (NM_133378.4); c.76054T>C, p.Tyr25352His (NM_133432.3); c.76255T>C, p.Tyr25419His (NM_133437.4); short protein forms Y25227H, Y25352H, Y31724H, Y25419H, Y32651H, Y34292H.
Identifiers: ClinVar variation 2929249 (VCV002929249.3), dbSNP rs1690203448, ClinGen allele CA349415882.